The following is an entry in ClinVar:

NM_005141.5(FGB):c.352C>G (p.Gln118Glu)

Gene: FGB (fibrinogen beta chain; plus strand). Cytogenetic location: 4q31.3.
Variant type: single nucleotide variant.
Coding change: c.352C>G on transcript NM_005141.5 (MANE Select); coding-DNA position 352, C replaced by G.
Protein change: p.Gln118Glu; replaces glutamine 118 with glutamic acid.
Molecular consequence: missense variant. On other transcripts: intron variant (1).
Genome position (GRCh38, 1-based): chr4:154,566,534, C>G. VCF-style: chr4-154566534-C-G. GRCh37 (hg19) VCF-style: chr4-155487686-C-G.
Other names: c.352C>G, p.Gln118Glu (NM_001382762.1, NM_001382763.1, NM_001382764.1 and 3 more transcripts); c.307-87C>G (NM_001382759.1); c.175C>G, p.Gln59Glu (NM_001184741.1); short protein forms Q118E, Q59E.
Identifiers: ClinVar variation 3649963 (VCV003649963.2).
Genomic context (GRCh38, chr4:154,566,534, plus strand): 5'-TTTCTTTGTTTTTAGGGGGTGTTGTGTCCTACAGGATGTCAGTTGCAAGAGGCTTTGCTA[C>G]AACAGGAAAGGCCAATCAGAAATAGTGTTGATGAGTTAAATAACAATGTGGAAGCTGTTT-3'
Protein context (NP_005132.2, residues 108-128): TGCQLQEALL[Gln118Glu]QERPIRNSVD

ClinVar aggregate classification (germline): Uncertain significance (1 of 4 stars; one submission).

Submission:

Labcorp Genetics (formerly Invitae), Labcorp
Classification: Uncertain significance. Last evaluated: 2024-04-25. Review status: criteria provided, single submitter. Criteria: Invitae Variant Classification Sherloc (09022015). Collection method: clinical testing. Allele origin: germline.
Comment: This sequence change replaces glutamine, which is neutral and polar, with glutamic acid, which is acidic and polar, at codon 118 of the FGB protein (p.Gln118Glu). This variant is not present in population databases (gnomAD no frequency). This variant has not been reported in the literature in individuals affected with FGB-related conditions. Advanced modeling of protein sequence and biophysical properties (such as structural, functional, and spatial information, amino acid conservation, physicochemical variation, residue mobility, and thermodynamic stability) performed at Invitae indicates that this missense variant is not expected to disrupt FGB protein function with a negative predictive value of 80%. In summary, the available evidence is currently insufficient to determine the role of this variant in disease. Therefore, it has been classified as a Variant of Uncertain Significance.